The following is an entry in ClinVar:

ClinVar aggregate classification (germline): Uncertain significance (1 of 4 stars; one submission).

Conditions:
Hereditary cancer-predisposing syndrome. Also called: Neoplastic Syndromes, Hereditary; Hereditary Cancer Syndrome; Tumor predisposition; Hereditary neoplastic syndrome. Identifiers: Orphanet 140162, MedGen C0027672, MeSH D009386, MONDO:0015356.

Submission:

Ambry Genetics
Classification: Uncertain significance for Hereditary cancer-predisposing syndrome. Last evaluated: 2025-01-31. Review status: criteria provided, single submitter. Criteria: Ambry Variant Classification Scheme 2023. Collection method: clinical testing. Allele origin: germline.
Comment: The p.A972T variant (also known as c.2914G>A), located in coding exon 18 of the PTCH1 gene, results from a G to A substitution at nucleotide position 2914. The alanine at codon 972 is replaced by threonine, an amino acid with similar properties. This amino acid position is conserved. In addition, this alteration is predicted to be deleterious by in silico analysis. Based on the available evidence, the clinical significance of this variant remains unclear.

NM_000264.5(PTCH1):c.2914G>A (p.Ala972Thr)

Gene: PTCH1 (patched 1; minus strand). Cytogenetic location: 9q22.32.
Variant type: single nucleotide variant.
Coding change: c.2914G>A on transcript NM_000264.5 (MANE Select); coding-DNA position 2914, G replaced by A.
Protein change: p.Ala972Thr; replaces alanine 972 with threonine.
Molecular consequence: missense variant. On other transcripts: non-coding transcript variant (1).
Genome position (GRCh38, 1-based): chr9:95,458,267, C>T on the plus strand (G>A on the coding strand, the complement: PTCH1 is on the minus strand). VCF-style: chr9-95458267-C-T. GRCh37 (hg19) VCF-style: chr9-98220549-C-T.
Other names: c.2716G>A, p.Ala906Thr (NM_001083602.3); c.2911G>A, p.Ala971Thr (NM_001083603.3); c.2461G>A, p.Ala821Thr (NM_001083604.3, NM_001083605.3, NM_001083606.3 and 1 more transcripts); c.2758G>A, p.Ala920Thr (NM_001354918.2); short protein forms A920T, A972T, A821T, A906T, A971T.
Identifiers: ClinVar variation 3784651 (VCV003784651.1).